The following is an entry in ClinVar:

ClinVar aggregate classification (germline): Uncertain significance (1 of 4 stars; one submission).

Conditions:
Pyogenic arthritis-pyoderma gangrenosum-acne syndrome (PAPA). Also called: FAMILIAL RECURRENT ARTHRITIS; PAPA SYNDROME. Identifiers: Orphanet 69126, MedGen C1858361, MONDO:0011462, OMIM 604416.

Allele frequency attached by ClinVar (database versions not stated): gnomAD exomes below 0.00001; TOPMed below 0.00001.

Submission:

Labcorp Genetics (formerly Invitae), Labcorp
Classification: Uncertain significance for Pyogenic arthritis-pyoderma gangrenosum-acne syndrome. Last evaluated: 2023-07-26. Review status: criteria provided, single submitter. Criteria: Invitae Variant Classification Sherloc (09022015). Collection method: clinical testing. Allele origin: germline.
Comment: In summary, the available evidence is currently insufficient to determine the role of this variant in disease. Therefore, it has been classified as a Variant of Uncertain Significance. Algorithms developed to predict the effect of sequence changes on RNA splicing suggest that this variant may disrupt the consensus splice site. Algorithms developed to predict the effect of missense changes on protein structure and function output the following: SIFT: "Not Available"; PolyPhen-2: "Benign"; Align-GVGD: "Not Available". The lysine amino acid residue is found in multiple mammalian species, which suggests that this missense change does not adversely affect protein function. ClinVar contains an entry for this variant (Variation ID: 1718188). This variant has not been reported in the literature in individuals affected with PSTPIP1-related conditions. This variant is not present in population databases (gnomAD no frequency). This sequence change replaces arginine, which is basic and polar, with lysine, which is basic and polar, at codon 14 of the PSTPIP1 protein (p.Arg14Lys).

NM_003978.5(PSTPIP1):c.41G>A (p.Arg14Lys)

Gene: PSTPIP1 (proline-serine-threonine phosphatase interacting protein 1; plus strand). Cytogenetic location: 15q24.3.
Variant type: single nucleotide variant.
Coding change: c.41G>A on transcript NM_003978.5 (MANE Select); coding-DNA position 41, G replaced by A.
Protein change: p.Arg14Lys; replaces arginine 14 with lysine.
Molecular consequence: missense variant. On other transcripts: non-coding transcript variant (1).
Genome position (GRCh38, 1-based): chr15:77,018,152, G>A. VCF-style: chr15-77018152-G-A. GRCh37 (hg19) VCF-style: chr15-77310493-G-A.
Other names: c.41G>A, p.Arg14Lys (NM_001321135.2, NM_001411086.1); c.14G>A, p.Arg5Lys (NM_001321136.2); c.236G>A, p.Arg79Lys (NM_001321137.1); short protein forms R14K, R5K, R79K.
Identifiers: ClinVar variation 1718188 (VCV001718188.5), dbSNP rs2076087921, ClinGen allele CA393518133.